The following is an entry in ClinVar:

ClinVar aggregate classification (germline): Uncertain significance (1 of 4 stars; one submission).

Submission:

Labcorp Genetics (formerly Invitae), Labcorp
Classification: Uncertain significance. Last evaluated: 2016-03-06. Review status: criteria provided, single submitter. Criteria: Invitae Variant Classification Sherloc (09022015). Collection method: clinical testing. Allele origin: germline.
Comment: In summary, this variant is a novel in-frame insertion with uncertain impact on protein function. It has been classified as a Variant of Uncertain Significance. This variant is not present in population databases (ExAC no frequency) and has not been reported in the literature in individuals with a POLE-related disease. This sequence change inserts 15 nucleotides in exon 43 of the POLE mRNA (c.5912_5913insAGTGGAGGAATCCAA). This leads to the insertion of 5 amino acid residues in the POLE protein (p.Ser1970_Asn1971insLysValGluGluSer) but otherwise preserves the integrity of the reading frame.

NM_006231.4(POLE):c.5901_5912GGA[2]ATCCAAAGTGGAGGAATCCAA[1] (p.Ser1970_Asn1971insLysValGluGluSer)

Gene: POLE (DNA polymerase epsilon, catalytic subunit; minus strand). Cytogenetic location: 12q24.33.
Variant type: Insertion.
Coding change: c.5901_5912GGA[2]ATCCAAAGTGGAGGAATCCAA[1] on transcript NM_006231.4 (MANE Select).
Protein change: p.Ser1970_Asn1971insLysValGluGluSer.
Molecular consequence: inframe insertion.
Genome position: GRCh38 VCF-style: chr12-132634277-G-GTTGGATTCCTCCACT. GRCh37 (hg19) VCF-style: chr12-133210863-G-GTTGGATTCCTCCACT.
Identifiers: ClinVar variation 240578 (VCV000240578.6), dbSNP rs878854887, ClinGen allele CA10582973.
Genomic context (GRCh38, chr12:132,634,277, plus strand): 5'-GGAGGCTGCCTGTGGCAAAAACTGCAAAATGTTCCAGTTGTTTTCCAGTAAATCCTCCAC[G>GTTGGATTCCTCCACT]TTGGATTCCTCCGCCTCTTCCTCCTCCTCCCCATCTCTTTCCTCCTCATCGTCCTCATTT-3'